The following is an entry in ClinVar:

NM_015047.3(EMC1):c.1679A>G (p.Tyr560Cys)

Genes: EMC1 (ER membrane protein complex subunit 1; minus strand), EMC1-AS1 (EMC1 antisense RNA 1; plus strand). Cytogenetic location: 1p36.13.
Variant type: single nucleotide variant.
Coding change: c.1679A>G on transcript NM_015047.3 (MANE Select); coding-DNA position 1679, A replaced by G.
Protein change: p.Tyr560Cys; replaces tyrosine 560 with cysteine.
Molecular consequence: missense variant.
Genome position (GRCh38, 1-based): chr1:19,232,727, T>C on the plus strand (A>G on the coding strand, the complement: EMC1 is on the minus strand). VCF-style: chr1-19232727-T-C. GRCh37 (hg19) VCF-style: chr1-19559221-T-C.
Other names: c.1676A>G, p.Tyr559Cys (NM_001271427.2, NM_001271428.2); c.1613A>G, p.Tyr538Cys (NM_001271429.2); c.1688A>G, p.Tyr563Cys (NM_001375820.1); c.1685A>G, p.Tyr562Cys (NM_001375821.1); short protein forms Y562C, Y559C, Y538C, Y560C, Y563C.
Identifiers: ClinVar variation 1492473 (VCV001492473.8), dbSNP rs2151949452, ClinGen allele CA338761087.

ClinVar aggregate classification (germline): Uncertain significance (1 of 4 stars; one submission).

Submission:

Labcorp Genetics (formerly Invitae), Labcorp
Classification: Uncertain significance. Last evaluated: 2021-03-28. Review status: criteria provided, single submitter. Criteria: Invitae Variant Classification Sherloc (09022015). Collection method: clinical testing. Allele origin: germline.
Comment: This sequence change replaces tyrosine with cysteine at codon 560 of the EMC1 protein (p.Tyr560Cys). The tyrosine residue is highly conserved and there is a large physicochemical difference between tyrosine and cysteine. This variant is not present in population databases (ExAC no frequency). This variant has not been reported in the literature in individuals with EMC1-related conditions. Algorithms developed to predict the effect of missense changes on protein structure and function are either unavailable or do not agree on the potential impact of this missense change (SIFT: "Tolerated"; PolyPhen-2: "Probably Damaging"; Align-GVGD: "Class C0"). In summary, the available evidence is currently insufficient to determine the role of this variant in disease. Therefore, it has been classified as a Variant of Uncertain Significance.